The following is an entry in ClinVar:

ClinVar aggregate classification (germline): Uncertain significance. Review status: criteria provided, multiple submitters, no conflicts (2 of 4 stars). 5 submissions from 4 submitters: Uncertain significance (5). Last evaluated 2025-04-10.

Conditions:
Inborn genetic diseases. Identifiers: MedGen C0950123, MeSH D030342.
Retinitis pigmentosa 39 (RP39). Identifiers: Orphanet 791, MedGen C3151138, MONDO:0013436, OMIM 613809.
Usher syndrome type 2A. Also called: USHER SYNDROME, TYPE IIA; RETINAL DISEASE IN USHER SYNDROME TYPE IIA, MODIFIER OF. Identifiers: Orphanet 231178, Orphanet 886, MedGen C1848634, MONDO:0010169, OMIM 276901.

Allele frequency attached by ClinVar (database versions not stated): gnomAD 0.00001; gnomAD exomes 0.00006 and 0.00015; ExAC 0.00009.
gnomAD v4.1: 39 of 1,613,808 alleles (0.0024%); highest among the groups gnomAD compares: Admixed American, 0.063%; no homozygotes.

Submissions (5):

GeneDx
Classification: Uncertain significance. Last evaluated: 2025-04-10. Review status: criteria provided, single submitter. Criteria: GeneDx Variant Classification Process June 2021. Collection method: clinical testing. Allele origin: germline. Affected: yes.
Comment: In silico analysis supports that this missense variant has a deleterious effect on protein structure/function; Has not been previously published as pathogenic or benign to our knowledge

Genome-Nilou Lab
Classification: Uncertain significance for Retinitis pigmentosa 39. Last evaluated: 2023-11-04. Review status: criteria provided, single submitter. Criteria: ACMG Guidelines, 2015. Collection method: clinical testing. Allele origin: germline. Affected: no.

Genome-Nilou Lab
Classification: Uncertain significance for Usher syndrome type 2A. Last evaluated: 2023-11-04. Review status: criteria provided, single submitter. Criteria: ACMG Guidelines, 2015. Collection method: clinical testing. Allele origin: germline. Affected: no.

Labcorp Genetics (formerly Invitae), Labcorp
Classification: Uncertain significance. Last evaluated: 2022-08-07. Review status: criteria provided, single submitter. Criteria: Invitae Variant Classification Sherloc (09022015). Collection method: clinical testing. Allele origin: germline.
Comment: This sequence change replaces glycine, which is neutral and non-polar, with glutamic acid, which is acidic and polar, at codon 991 of the USH2A protein (p.Gly991Glu). This variant is present in population databases (rs779811357, gnomAD 0.1%). This variant has not been reported in the literature in individuals affected with USH2A-related conditions. ClinVar contains an entry for this variant (Variation ID: 1432292). Algorithms developed to predict the effect of missense changes on protein structure and function are either unavailable or do not agree on the potential impact of this missense change (SIFT: "Deleterious"; PolyPhen-2: "Probably Damaging"; Align-GVGD: "Class C0"). In summary, the available evidence is currently insufficient to determine the role of this variant in disease. Therefore, it has been classified as a Variant of Uncertain Significance.

Ambry Genetics
Classification: Uncertain significance for Inborn genetic diseases. Last evaluated: 2022-04-12. Review status: criteria provided, single submitter. Criteria: Ambry Variant Classification Scheme 2023. Collection method: clinical testing. Allele origin: germline.

NM_206933.4(USH2A):c.2972G>A (p.Gly991Glu)

Genes: USH2A (usherin; minus strand), USH2A-AS1 (USH2A antisense RNA 1; plus strand). Cytogenetic location: 1q41.
Variant type: single nucleotide variant.
Coding change: c.2972G>A on transcript NM_206933.4 (MANE Select); coding-DNA position 2972, G replaced by A.
Protein change: p.Gly991Glu; replaces glycine 991 with glutamic acid.
Molecular consequence: missense variant.
Genome position (GRCh38, 1-based): chr1:216,231,974, C>T on the plus strand (G>A on the coding strand, the complement: USH2A is on the minus strand). VCF-style: chr1-216231974-C-T. GRCh37 (hg19) VCF-style: chr1-216405316-C-T.
Other names: c.2972G>A, p.Gly991Glu (NM_007123.6); short protein forms G991E.
Identifiers: ClinVar variation 1432292 (VCV001432292.8), dbSNP rs779811357, ClinGen allele CA1396124.
Genomic context (GRCh38, chr1:216,231,974, plus strand): 5'-AAAGAAAGAGTTAAATTATTAAAGCTTATAAAGATGTACCTTCCAGTCTGAGGATCAAAT[C>T]CAAAGTAATGGTCTTTGCATTGGTCACAACGTTGCCCAGCAATGGAAGCATCTTGGCAAA-3'
Protein context (NP_996816.3, residues 981-1001): RCDQCKDHYF[Gly991Glu]FDPQTGRCQP